The following is an entry in ClinVar:

ClinVar aggregate classification (germline): Uncertain significance (1 of 4 stars; one submission).

Submission:

GeneDx
Classification: Uncertain significance. Last evaluated: 2022-04-19. Review status: criteria provided, single submitter. Criteria: GeneDx Variant Classification Process June 2021. Collection method: clinical testing. Allele origin: germline. Affected: yes.
Comment: Not observed at significant frequency in large population cohorts (gnomAD); Frameshift variant predicted to result in protein truncation or nonsense mediated decay in a gene or region of a gene for which loss of function is not a well-established mechanism of disease; Has not been previously published as pathogenic or benign to our knowledge; Variants in candidate genes are classified as variants of uncertain significance in accordance with ACMG guidelines (Richards et al., 2015)

NM_006885.4(ZFHX3):c.7891dup (p.Ser2631fs)

Genes: ZFHX3 (zinc finger homeobox 3; minus strand), ZFHX3-AS1 (ZFHX3 antisense RNA 1; plus strand). Cytogenetic location: 16q22.2.
Variant type: Duplication.
Coding change: c.7891dup on transcript NM_006885.4 (MANE Select); coding-DNA position 7891, one base duplicated (A; older notation c.7891dupA).
Protein change: p.Ser2631fs; shifts the reading frame from serine 2631.
Molecular consequence: frameshift variant.
Genome position (GRCh38, 1-based): chr16:72,794,791, T duplicated on the plus strand (A on the coding strand, the reverse complement: ZFHX3 is on the minus strand). VCF-style (leftmost placement, unchanged base first): chr16-72794790-C-CT. GRCh37 (hg19) VCF-style: chr16-72828689-C-CT.
Other names: c.5149dup, p.Ser1717fs (NM_001164766.2); c.7891dup, p.Ser2631fs (NM_001386735.1); short protein forms S1717fs, S2631fs.
Identifiers: ClinVar variation 3342502 (VCV003342502.1).